The following is an entry in ClinVar:

NM_016343.4(CENPF):c.5690T>G (p.Phe1897Cys)

Gene: CENPF (centromere protein F; plus strand). Cytogenetic location: 1q41.
Variant type: single nucleotide variant.
Coding change: c.5690T>G on transcript NM_016343.4 (MANE Select); coding-DNA position 5690, T replaced by G.
Protein change: p.Phe1897Cys; replaces phenylalanine 1897 with cysteine.
Molecular consequence: missense variant.
Genome position (GRCh38, 1-based): chr1:214,645,260, T>G. VCF-style: chr1-214645260-T-G. GRCh37 (hg19) VCF-style: chr1-214818603-T-G.
Other names: short protein forms F1897C.
Identifiers: ClinVar variation 4701821 (VCV004701821.2).

ClinVar aggregate classification (germline): Conflicting classifications of pathogenicity. Review status: criteria provided, conflicting classifications (1 of 4 stars). 2 submissions from 2 submitters: Uncertain significance (1); Likely benign (1). Last evaluated 2025-11-22.

gnomAD v4.1: 39 of 1,613,800 alleles (0.0024%); highest among the groups gnomAD compares: Middle Eastern, 0.26%; 1 homozygote.

Submissions (2):

Labcorp Genetics (formerly Invitae), Labcorp
Classification: Uncertain significance. Last evaluated: 2025-11-22. Review status: criteria provided, single submitter. Criteria: Invitae Variant Classification Sherloc (09022015). Collection method: clinical testing. Allele origin: germline.
Comment: This sequence change replaces phenylalanine, which is neutral and non-polar, with cysteine, which is neutral and slightly polar, at codon 1897 of the CENPF protein (p.Phe1897Cys). This variant is present in population databases (rs771537394, gnomAD 0.06%), including at least one homozygous and/or hemizygous individual. This variant has not been reported in the literature in individuals affected with CENPF-related conditions. An algorithm developed to predict the effect of missense changes on protein structure and function outputs the following: PolyPhen-2: "Benign". The cysteine amino acid residue is found in multiple mammalian species, which suggests that this missense change does not adversely affect protein function. In summary, the available evidence is currently insufficient to determine the role of this variant in disease. Therefore, it has been classified as a Variant of Uncertain Significance.

Blueprint Genetics
Classification: Likely benign. Last evaluated: 2024-07-06. Review status: criteria provided, single submitter. Criteria: ACMG Guidelines, 2015. Collection method: clinical testing. Allele origin: germline.